The following is an entry in ClinVar:

NM_005612.5(REST):c.1452A>G (p.Ser484=)

Gene: REST (RE1 silencing transcription factor; plus strand). Cytogenetic location: 4q12.
Variant type: single nucleotide variant.
Coding change: c.1452A>G on transcript NM_005612.5 (MANE Select); coding-DNA position 1452, A replaced by G.
Protein change: p.Ser484=; no amino-acid change (serine 484 retained).
Molecular consequence: synonymous variant.
Genome position (GRCh38, 1-based): chr4:56,930,310, A>G. VCF-style: chr4-56930310-A-G. GRCh37 (hg19) VCF-style: chr4-57796476-A-G.
Other names: c.1452A>G, p.Ser484= (NM_001193508.2, NM_001363453.3).
Identifiers: ClinVar variation 1104740 (VCV001104740.11), dbSNP rs374960788, ClinGen allele CA2932268.

ClinVar aggregate classification (germline): Likely benign. Review status: criteria provided, multiple submitters, no conflicts (2 of 4 stars). 3 submissions from 3 submitters: Likely benign (2). 1 of the submissions does not count toward it. Last evaluated 2025-10-02.

Conditions:
REST-related disorder. Also called: REST-related condition.

Allele frequency attached by ClinVar (database versions not stated): gnomAD exomes 0.00002 and 0.00004; ExAC 0.00006; gnomAD 0.00015 and 0.00018; TOPMed 0.00018; ESP Exome Variant Server 0.00031.
gnomAD v4.1: 50 of 1,613,984 alleles (0.0031%); highest among the groups gnomAD compares: African/African-American, 0.065%; no homozygotes.

Submissions (3):

Labcorp Genetics (formerly Invitae), Labcorp
Classification: Likely benign. Last evaluated: 2025-10-02. Review status: criteria provided, single submitter. Criteria: Invitae Variant Classification Sherloc (09022015). Collection method: clinical testing. Allele origin: germline.

Blueprint Genetics
Classification: Likely benign. Last evaluated: 2022-03-18. Review status: criteria provided, single submitter. Criteria: ACMG Guidelines, 2015. Collection method: clinical testing. Allele origin: germline.

PreventionGenetics, part of Exact Sciences
Classification: Likely benign for REST-related condition. Last evaluated: 2024-04-05. Review status: no assertion criteria provided. Collection method: clinical testing. Allele origin: germline. Not counted in ClinVar's aggregate classification.
Comment: This variant is classified as likely benign based on ACMG/AMP sequence variant interpretation guidelines (Richards et al. 2015 PMID: 25741868, with internal and published modifications).